The following is an entry in ClinVar:

NM_000051.4(ATM):c.8095C>A (p.Pro2699Thr)

Genes: ATM (ATM serine/threonine kinase; plus strand), C11orf65 (chromosome 11 open reading frame 65; minus strand). Cytogenetic location: 11q22.3.
Variant type: single nucleotide variant.
Coding change: c.8095C>A on transcript NM_000051.4 (MANE Select); coding-DNA position 8095, C replaced by A.
Protein change: p.Pro2699Thr; replaces proline 2699 with threonine.
Molecular consequence: missense variant. On other transcripts: intron variant (2).
Genome position (GRCh38, 1-based): chr11:108,335,053, C>A. VCF-style: chr11-108335053-C-A. GRCh37 (hg19) VCF-style: chr11-108205780-C-A.
Other names: c.8095C>A, p.Pro2699Thr (NM_001351834.2); c.641-25982G>T (NM_001330368.2); c.*38+167G>T (NM_001351110.2); short protein forms P2699T.
Identifiers: ClinVar variation 3223180 (VCV003223180.1), dbSNP rs2086682194, ClinGen allele CA382562086.

ClinVar aggregate classification (germline): Uncertain significance (1 of 4 stars; one submission).

Conditions:
Hereditary cancer-predisposing syndrome. Also called: Tumor predisposition; Hereditary Cancer Syndrome; Hereditary neoplastic syndrome; Neoplastic Syndromes, Hereditary. Identifiers: Orphanet 140162, MedGen C0027672, MeSH D009386, MONDO:0015356.

Submission:

Ambry Genetics
Classification: Uncertain significance for Hereditary cancer-predisposing syndrome. Last evaluated: 2023-11-16. Review status: criteria provided, single submitter. Criteria: Ambry Variant Classification Scheme 2023. Collection method: clinical testing. Allele origin: germline.
Comment: The p.P2699T variant (also known as c.8095C>A), located in coding exon 54 of the ATM gene, results from a C to A substitution at nucleotide position 8095. The proline at codon 2699 is replaced by threonine, an amino acid with highly similar properties. This amino acid position is highly conserved in available vertebrate species. In addition, this alteration is predicted to be deleterious by in silico analysis. Since supporting evidence is limited at this time, the clinical significance of this alteration remains unclear.